The following is an entry in ClinVar:

ClinVar aggregate classification (germline): Uncertain significance (1 of 4 stars; one submission).

Conditions:
Severe combined immunodeficiency due to DNA-PKcs deficiency. Also called: IMMUNODEFICIENCY 26 WITH NEUROLOGIC ABNORMALITIES; Immunodeficiency 26 with or without neurologic abnormalities. Identifiers: Orphanet 317425, MedGen C4014833, MONDO:0014423, OMIM 615966.

Allele frequency attached by ClinVar (database versions not stated): TOPMed 0.00002; ExAC 0.00011.
gnomAD v4.1: 43 of 1,577,996 alleles (0.0027%); highest among the groups gnomAD compares: Non-Finnish European, 0.0027%; no homozygotes.

Submission:

Labcorp Genetics (formerly Invitae), Labcorp
Classification: Uncertain significance for Severe combined immunodeficiency due to DNA-PKcs deficiency. Last evaluated: 2024-10-15. Review status: criteria provided, single submitter. Criteria: Invitae Variant Classification Sherloc (09022015). Collection method: clinical testing. Allele origin: germline.
Comment: This sequence change replaces isoleucine, which is neutral and non-polar, with methionine, which is neutral and non-polar, at codon 1428 of the PRKDC protein (p.Ile1428Met). This variant is present in population databases (rs764777087, gnomAD 0.02%). This variant has not been reported in the literature in individuals affected with PRKDC-related conditions. ClinVar contains an entry for this variant (Variation ID: 862978). Invitae Evidence Modeling of protein sequence and biophysical properties (such as structural, functional, and spatial information, amino acid conservation, physicochemical variation, residue mobility, and thermodynamic stability) indicates that this missense variant is not expected to disrupt PRKDC protein function with a negative predictive value of 80%. In summary, the available evidence is currently insufficient to determine the role of this variant in disease. Therefore, it has been classified as a Variant of Uncertain Significance.

NM_006904.7(PRKDC):c.4284T>G (p.Ile1428Met)

Gene: PRKDC (protein kinase, DNA-activated, catalytic subunit; minus strand). Cytogenetic location: 8q11.21.
Variant type: single nucleotide variant.
Coding change: c.4284T>G on transcript NM_006904.7 (MANE Select); coding-DNA position 4284, T replaced by G.
Protein change: p.Ile1428Met; replaces isoleucine 1428 with methionine.
Molecular consequence: missense variant.
Genome position (GRCh38, 1-based): chr8:47,888,647, A>C on the plus strand (T>G on the coding strand, the complement: PRKDC is on the minus strand). VCF-style: chr8-47888647-A-C. GRCh37 (hg19) VCF-style: chr8-48801208-A-C.
Other names: c.4284T>G, p.Ile1428Met (NM_001081640.2); short protein forms I1428M.
Identifiers: ClinVar variation 862978 (VCV000862978.9), dbSNP rs764777087, ClinGen allele CA4740943.